The following is an entry in ClinVar:

NM_017999.5(RNF31):c.809+3G>A

Gene: RNF31 (ring finger protein 31; plus strand). Cytogenetic location: 14q12.
Variant type: single nucleotide variant.
Coding change: c.809+3G>A on transcript NM_017999.5 (MANE Select); 3 bases into the intron after coding-DNA position 809, G replaced by A.
Molecular consequence: intron variant.
Genome position (GRCh38, 1-based): chr14:24,149,586, G>A. VCF-style: chr14-24149586-G-A. GRCh37 (hg19) VCF-style: chr14-24618795-G-A.
Other names: c.356+3G>A (NM_001310332.2).
Identifiers: ClinVar variation 1484269 (VCV001484269.6), dbSNP rs2139077859, ClinGen allele CA2573149887.

ClinVar aggregate classification (germline): Uncertain significance (1 of 4 stars; one submission).

gnomAD v4.1: 2 of 1,611,430 alleles (0.00012%); highest among the groups gnomAD compares: South Asian, 0.0022%; no homozygotes.

Submission:

Labcorp Genetics (formerly Invitae), Labcorp
Classification: Uncertain significance. Last evaluated: 2024-12-08. Review status: criteria provided, single submitter. Criteria: Invitae Variant Classification Sherloc (09022015). Collection method: clinical testing. Allele origin: germline.
Comment: This sequence change falls in intron 6 of the RNF31 gene. It does not directly change the encoded amino acid sequence of the RNF31 protein. It affects a nucleotide within the consensus splice site. This variant is not present in population databases (gnomAD no frequency). This variant has not been reported in the literature in individuals affected with RNF31-related conditions. ClinVar contains an entry for this variant (Variation ID: 1484269). Variants that disrupt the consensus splice site are a relatively common cause of aberrant splicing (PMID: 17576681, 9536098). Algorithms developed to predict the effect of sequence changes on RNA splicing suggest that this variant is not likely to affect RNA splicing. In summary, the available evidence is currently insufficient to determine the role of this variant in disease. Therefore, it has been classified as a Variant of Uncertain Significance.

Literature cited by the submitters: PubMed 17576681; PubMed 9536098.